The following is an entry in ClinVar:

ClinVar aggregate classification (germline): Uncertain significance (1 of 4 stars; one submission).

Conditions:
Progressive myoclonic epilepsy. Also called: Myoclonic Epilepsies, Progressive; Familial progressive myoclonic epilepsy; Myoclonus epilepsy; Progressive myoclonus epilepsy. Identifiers: Orphanet 308, Orphanet 98261, MedGen C0751778, MONDO:0020074.

Allele frequency attached by ClinVar (database versions not stated): gnomAD 0.00001; TOPMed 0.00001.
gnomAD v4.1: 3 of 1,309,762 alleles (0.00023%); highest among the groups gnomAD compares: South Asian, 0.0019%; no homozygotes.

Submission:

Labcorp Genetics (formerly Invitae), Labcorp
Classification: Uncertain significance for Progressive myoclonic epilepsy. Last evaluated: 2021-09-01. Review status: criteria provided, single submitter. Criteria: Invitae Variant Classification Sherloc (09022015). Collection method: clinical testing. Allele origin: germline.
Comment: This sequence change replaces glycine with valine at codon 50 of the EPM2A protein (p.Gly50Val). The glycine residue is weakly conserved and there is a moderate physicochemical difference between glycine and valine. The frequency data for this variant in the population databases is considered unreliable, as metrics indicate insufficient coverage at this position in the ExAC database. This variant has not been reported in the literature in individuals affected with EPM2A-related conditions. Algorithms developed to predict the effect of missense changes on protein structure and function (SIFT, PolyPhen-2, Align-GVGD) all suggest that this variant is likely to be tolerated. In summary, the available evidence is currently insufficient to determine the role of this variant in disease. Therefore, it has been classified as a Variant of Uncertain Significance.

NM_005670.4(EPM2A):c.149G>T (p.Gly50Val)

Genes: EPM2A (EPM2A glucan phosphatase, laforin; minus strand), EPM2A-DT (EPM2A divergent transcript; plus strand), LOC129997381 (ATAC-STARR-seq lymphoblastoid silent region 17642; plus strand). Cytogenetic location: 6q24.3.
Variant type: single nucleotide variant.
Coding change: c.149G>T on transcript NM_005670.4 (MANE Select); coding-DNA position 149, G replaced by T.
Protein change: p.Gly50Val; replaces glycine 50 with valine.
Molecular consequence: missense variant. On other transcripts: 5 prime UTR variant (3), intron variant (1).
Genome position (GRCh38, 1-based): chr6:145,735,350, C>A on the plus strand (G>T on the coding strand, the complement: EPM2A is on the minus strand). VCF-style: chr6-145735350-C-A. GRCh37 (hg19) VCF-style: chr6-146056486-C-A.
Other names: c.149G>T, p.Gly50Val (NM_001018041.2, NM_001360057.2, NM_001368130.1); c.-521G>T (NM_001360071.2); c.-475G>T (NM_001368129.2); c.-219G>T (NM_001368131.1); c.-114+558G>T (NM_001360064.2); short protein forms G50V.
Identifiers: ClinVar variation 950670 (VCV000950670.7), dbSNP rs796052422, ClinGen allele CA366188203.